The following is an entry in ClinVar:

NM_000448.3(RAG1):c.424C>T (p.Arg142Ter)

Gene: RAG1 (recombination activating 1; plus strand). Cytogenetic location: 11p12.
Variant type: single nucleotide variant.
Coding change: c.424C>T on transcript NM_000448.3 (MANE Select); coding-DNA position 424, C replaced by T.
Protein change: p.Arg142Ter; replaces arginine 142 with a stop codon.
Molecular consequence: nonsense.
Genome position (GRCh38, 1-based): chr11:36,573,728, C>T. VCF-style: chr11-36573728-C-T. GRCh37 (hg19) VCF-style: chr11-36595278-C-T.
Other names: NM_000448.3(RAG1):c.424C>T; p.Arg142Ter; c.424C>T, p.Arg142Ter (NM_001377277.1, NM_001377278.1, NM_001377279.1 and 1 more transcripts); short protein forms R142*.
Identifiers: ClinVar variation 626157 (VCV000626157.14), dbSNP rs773929270, ClinGen allele CA5949977.
Genomic context (GRCh38, chr11:36,573,728, plus strand): 5'-GAGCACAACAGGAGATATCCAGTCCATGGTCCTGTGGATGGTAAAACCCTAGGCCTTTTA[C>T]GAAAGAAGGAAAAGAGAGCTACTTCCTGGCCGGACCTCATTGCCAAGGTTTTCCGGATCG-3'

ClinVar aggregate classification (germline): Pathogenic. Review status: reviewed by expert panel (3 of 4 stars). 8 submissions from 8 submitters: Pathogenic (1). 7 of the submissions do not count toward it. Last evaluated 2023-11-14.

Conditions:
Combined immunodeficiency with skin granulomas. Identifiers: Orphanet 157949, MedGen C2673536, MONDO:0009306, OMIM 233650.
Severe combined immunodeficiency, autosomal recessive, T cell-negative, B cell-negative, NK cell-positive. Also called: SCID, AR, T-cell negative, B-cell negative, NK cell-positive; SCID, T CELL-NEGATIVE, B CELL-NEGATIVE, NK CELL-POSITIVE; Severe combined immunodeficiency due to complete RAG1/2 deficiency. Identifiers: Orphanet 331206, MedGen C1832322, MONDO:0011086, OMIM 601457.
Combined immunodeficiency due to partial RAG1 deficiency. Identifiers: Orphanet 231154, MedGen C1835931, MONDO:0012359, OMIM 609889.
Histiocytic medullary reticulosis. Also called: SEVERE COMBINED IMMUNODEFICIENCY WITH HYPEREOSINOPHILIA; Omenn syndrome. Identifiers: Orphanet 39041, MedGen C2700553, MONDO:0011338, OMIM 603554.
Recombinase activating gene 1 deficiency. Identifiers: MedGen CN375631, MONDO:0000572.

Allele frequency attached by ClinVar (database versions not stated): gnomAD 0.00001; gnomAD exomes 0.00001 and below 0.00001; TOPMed 0.00001; ExAC 0.00001.
gnomAD v4.1: 15 of 1,613,816 alleles (0.00093%); highest among the groups gnomAD compares: Admixed American, 0.0033%; no homozygotes.

Submissions (8):

ClinGen Severe Combined Immunodeficiency Variant Curation Expert Panel, ClinGen
Classification: Pathogenic for Recombinase activating gene 1 deficiency. Last evaluated: 2023-11-14. Review status: reviewed by expert panel. Criteria: ClinGen SCID ACMG Specifications RAG1 V1.0.0. Collection method: curation. Allele origin: germline. Inheritance: Autosomal recessive inheritance.
Comment: The nonsense variant NM_000448.3(RAG1):c.424C>T (p.Arg142Ter) occurs in exon 2 of 2 (the only coding exon of RAG1) and is not predicted to result in nonsense-mediated decay but does truncate 86% of the protein, including the entirety of the core domain (amino acids 387-1011) which is critical to protein function (PMID: 26996199; PVS1). The popmax allele frequency is 0.00004007 (1/24954 alleles) in the African/African American population, which is below the SCID VCEP established threshold of <0.000102 (PM2_supporting). This variant has been reported in at least seven patients with atypical SCID or Omenn syndrome (PMIDs: 30877075, 33225392, 30307608, 25849362, 20109747, 24290284, 17075247) however in all cases there is insufficient information to determine that the patient's phenotype is highly specific to recombinase activating gene 1 deficiency (PP4_NotMet). This variant has been reported homozygous in at least two Omenn syndrome patients (PMIDs: 33225392, 30307608; 1pt; PM3). Five additional atypical SCID or Omenn syndrome cases have been reported compound heterozygous for this variant (PMIDs: 30877075, 25849362, 20109747, 24290284, 17075247). Functional studies have shown a deleterious effect of this variant, significantly reducing function of the V(D)J recombination activity; mean recombination activity for Arg142Ter was 9.0% of wild type +/- 4.0 (PMID: 24290284). However, because no patient has been identified meeting the PP4 criteria PS3 is not applied at any strength. In summary, this variant meets the criteria to be classified as pathogenic for recombinase activating gene 1 deficiency based on the ACMG/AMP criteria applied, as specified by the ClinGen SCID VCEP. Criteria applied: PVS1, PM3 and PM2_Supporting. (VCEP specifications version 1).

Women's Health and Genetics/Laboratory Corporation of America, LabCorp
Classification: Pathogenic for Severe combined immunodeficiency, autosomal recessive, T cell-negative, B cell-negative, NK cell-positive. Last evaluated: 2026-01-29. Review status: criteria provided, single submitter. Criteria: LabCorp Variant Classification Summary - May 2015. Collection method: clinical testing. Allele origin: germline. Not counted in ClinVar's aggregate classification.
Comment: Variant summary: RAG1 c.424C>T (p.Arg142X) results in a premature termination codon in the last exon, predicted to cause a truncation of the encoded protein, however, nonsense mediated decay is not expected to occur. The variant allele was found at a frequency of 4e-06 in 250798 control chromosomes. c.424C>T has been observed in compound heterozygous and homozygous individuals affected with Omenn syndrome (e.g. Matthews_2015, Meshaal_2019). These data indicate that the variant may be associated with disease. At least one publication reports experimental evidence evaluating an impact on protein function, showing absent protein product and no V(D)J recombination activity (e.g. Matthews_2015). The following publications have been ascertained in the context of this evaluation (PMID: 25849362, 30307608). ClinVar contains an entry for this variant (Variation ID: 626157). Based on the evidence outlined above, the variant was classified as pathogenic.

Labcorp Genetics (formerly Invitae), Labcorp
Classification: Pathogenic for Combined immunodeficiency with skin granulomas; Severe combined immunodeficiency, autosomal recessive, T cell-negative, B cell-negative, NK cell-positive. Last evaluated: 2025-12-23. Review status: criteria provided, single submitter. Criteria: Invitae Variant Classification Sherloc (09022015). Collection method: clinical testing. Allele origin: germline. Not counted in ClinVar's aggregate classification.
Comment: This sequence change creates a premature translational stop signal (p.Arg142*) in the RAG1 gene. While this is not anticipated to result in nonsense mediated decay, it is expected to disrupt the last 902 amino acid(s) of the RAG1 protein. This variant is present in population databases (rs773929270, gnomAD 0.004%). This premature translational stop signal has been observed in individual(s) with Omenn syndrome (PMID: 25849362, 30307608). ClinVar contains an entry for this variant (Variation ID: 626157). This variant disrupts a region of the RAG1 protein in which other variant(s) (p.Ile956Thr) have been determined to be pathogenic (PMID: 16960852, 24290284, 28083621). This suggests that this is a clinically significant region of the protein, and that variants that disrupt it are likely to be disease-causing. For these reasons, this variant has been classified as Pathogenic.

First Genomix Gene Laboratory, Genetic Diagnostics Department
Classification: Pathogenic for Combined immunodeficiency with skin granulomas; Histiocytic medullary reticulosis; Severe combined immunodeficiency, autosomal recessive, T cell-negative, B cell-negative, NK cell-positive. Last evaluated: 2025-07-15. Review status: criteria provided, single submitter. Criteria: ACMG Guidelines, 2015. Collection method: clinical testing. Allele origin: germline. Inheritance: Autosomal recessive inheritance. Affected: no. Observed: 1 variant allele. Not counted in ClinVar's aggregate classification.

Baylor Genetics
Classification: Pathogenic for Combined immunodeficiency due to partial RAG1 deficiency. Last evaluated: 2023-05-06. Review status: criteria provided, single submitter. Criteria: ACMG Guidelines, 2015. Collection method: clinical testing. Allele origin: unknown. Not counted in ClinVar's aggregate classification.

3billion
Classification: Likely pathogenic for Histiocytic medullary reticulosis. Last evaluated: 2022-05-22. Review status: criteria provided, single submitter. Criteria: ACMG Guidelines, 2015. Collection method: clinical testing. Allele origin: germline. Affected: yes. Observed: 1 heterozygote. Not counted in ClinVar's aggregate classification.
Comment: The variant is observed at an extremely low frequency in the gnomAD v2.1.1 dataset (total allele frequency: <0.001%). Stop-gained (nonsense): predicted to result in a loss or disruption of normal protein function through protein truncation. The predicted truncated protein may be shortened by more than 10%. The variant has been reported at least twice as pathogenic/likely pathogenic without evidence for the classification (ClinVar ID: VCV000626157 ; PMID: 17075247). Therefore, this variant is classified as likely pathogenic according to the recommendation of ACMG/AMP guideline.

Mendelics
Classification: Pathogenic for Combined immunodeficiency with skin granulomas. Last evaluated: 2019-05-28. Review status: criteria provided, single submitter. Criteria: Mendelics Assertion Criteria 2017. Collection method: clinical testing. Allele origin: unknown. Not counted in ClinVar's aggregate classification.

Center for Genomics, Ann and Robert H. Lurie Children's Hospital of Chicago
Classification: Uncertain significance for Histiocytic medullary reticulosis; Severe combined immunodeficiency, autosomal recessive, T cell-negative, B cell-negative, NK cell-positive; Combined immunodeficiency with skin granulomas; Combined immunodeficiency due to partial RAG1 deficiency. Review status: criteria provided, single submitter. Criteria: ACMG Guidelines, 2015. Collection method: clinical testing. Allele origin: germline. Not counted in ClinVar's aggregate classification.
Comment: RAG1 NM_000448 exon 2 p.Arg142* (c.424C>T): This variant has been reported in the literature as compound heterozygous in at least 2 individuals with a clinical diagnosis of Omenn syndrome (Kato 2006 PMID:17075247, Asai 2011 PMID:21131235, Matthews 2015 PMID:25849362). This variant is present in 1/24016 African alleles in the Genome Aggregation Database. Please note, disease causing variants may be present in control databases at low frequencies, reflective of the general population and/or variable expressivity. Evolutionary conservation and computational predictive tools for this variant are limited or unavailable. In addition, functional studies have shown a deleterious effect of this variant, significantly reducing function of the V(D)J recombination activity (Asai 2011 PMID:21131235, Lee 2014 PMID:24290284, Matthews 2015 PMID:25849362). This variant creates a premature stop at this codon which results in an absent or abnormal protein; loss of function variants have been reported in association with disease for this gene (Matthews 2015 PMID:25849362). In summary, this variant is classified as pathogenic.

Literature cited by the submitters: PubMed 30307608 (cited by Women's Health and Genetics/Laboratory Corporation of America, LabCorp and Labcorp Genetics (formerly Invitae), Labcorp); PubMed 25849362 (cited by Women's Health and Genetics/Laboratory Corporation of America, LabCorp and Labcorp Genetics (formerly Invitae), Labcorp); PubMed 16960852 (cited by Labcorp Genetics (formerly Invitae), Labcorp); PubMed 24290284 (cited by Labcorp Genetics (formerly Invitae), Labcorp); PubMed 28083621 (cited by Labcorp Genetics (formerly Invitae), Labcorp); PubMed 17075247 (cited by 3billion).